The following is an entry in ClinVar:

NM_014000.3(VCL):c.1743+19T>C

Gene: VCL (vinculin; plus strand). Cytogenetic location: 10q22.2.
Variant type: single nucleotide variant.
Coding change: c.1743+19T>C on transcript NM_014000.3 (MANE Select); 19 bases into the intron after coding-DNA position 1743, T replaced by C.
Molecular consequence: intron variant.
Genome position (GRCh38, 1-based): chr10:74,095,874, T>C. VCF-style: chr10-74095874-T-C. GRCh37 (hg19) VCF-style: chr10-75855632-T-C.
Other names: c.1743+19T>C (NM_003373.4).
Identifiers: ClinVar variation 515456 (VCV000515456.6), dbSNP rs542039663, ClinGen allele CA5563064.

ClinVar aggregate classification (germline): Likely benign. Review status: criteria provided, multiple submitters, no conflicts (2 of 4 stars). 2 submissions from 2 submitters: Likely benign (2). Last evaluated 2025-06-03.

Conditions:
Dilated cardiomyopathy 1W (CMD1W). Identifiers: Orphanet 154, MedGen C1969639, MONDO:0012667, OMIM 611407.

Allele frequency attached by ClinVar (database versions not stated): gnomAD exomes below 0.00001; TOPMed below 0.00001; ExAC 0.00001; gnomAD 0.00001; 1000 Genomes Project 30x 0.00016; 1000 Genomes Project 0.00020.
gnomAD v4.1: 4 of 1,611,156 alleles (0.00025%); highest among the groups gnomAD compares: African/African-American, 0.0013%; no homozygotes.

Submissions (2):

Labcorp Genetics (formerly Invitae), Labcorp
Classification: Likely benign for Dilated cardiomyopathy 1W. Last evaluated: 2025-06-03. Review status: criteria provided, single submitter. Criteria: Invitae Variant Classification Sherloc (09022015). Collection method: clinical testing. Allele origin: germline.

GeneDx
Classification: Likely benign. Last evaluated: 2018-02-12. Review status: criteria provided, single submitter. Criteria: GeneDx Variant Classification (06012015). Collection method: clinical testing. Allele origin: germline. Affected: yes.
Comment: This variant is considered likely benign or benign based on one or more of the following criteria: it is a conservative change, it occurs at a poorly conserved position in the protein, it is predicted to be benign by multiple in silico algorithms, and/or has population frequency not consistent with disease.